The following is an entry in ClinVar:

NM_001013838.3(CARMIL2):c.3120+2T>C

Gene: CARMIL2 (capping protein regulator and myosin 1 linker 2; plus strand). Cytogenetic location: 16q22.1.
Variant type: single nucleotide variant.
Coding change: c.3120+2T>C on transcript NM_001013838.3 (MANE Select); the canonical splice donor site of the intron after coding-DNA position 3120, T replaced by C.
Molecular consequence: splice donor variant.
Genome position (GRCh38, 1-based): chr16:67,653,256, T>C. VCF-style: chr16-67653256-T-C. GRCh37 (hg19) VCF-style: chr16-67687159-T-C.
Other names: c.3012+2T>C (NM_001438835.1, NM_001438244.1, NM_001317026.3).
Identifiers: ClinVar variation 4730117 (VCV004730117.1).

ClinVar aggregate classification (germline): Likely pathogenic (1 of 4 stars; one submission).

Submission:

Labcorp Genetics (formerly Invitae), Labcorp
Classification: Likely pathogenic. Last evaluated: 2025-10-28. Review status: criteria provided, single submitter. Criteria: Invitae Variant Classification Sherloc (09022015). Collection method: clinical testing. Allele origin: germline.
Comment: This sequence change affects a donor splice site in intron 29 of the CARMIL2 gene. It is expected to disrupt RNA splicing. Variants that disrupt the donor or acceptor splice site typically lead to a loss of protein function (PMID: 16199547), and loss-of-function variants in CARMIL2 are known to be pathogenic (PMID: 27647349, 28112205). The frequency data for this variant in the population databases is considered unreliable, as metrics indicate insufficient coverage at this position in the gnomAD database. This variant has not been reported in the literature in individuals affected with CARMIL2-related conditions. Algorithms developed to predict the effect of sequence changes on RNA splicing suggest that this variant may disrupt the consensus splice site. In summary, the currently available evidence indicates that the variant is pathogenic, but additional data are needed to prove that conclusively. Therefore, this variant has been classified as Likely Pathogenic.

Literature cited by the submitters: PubMed 16199547; PubMed 27647349; PubMed 28112205.